The following is an entry in ClinVar:

ClinVar aggregate classification (germline): Uncertain significance (1 of 4 stars; one submission).

Conditions:
Lymphoproliferative syndrome 1 (LPFS1). Identifiers: Orphanet 238505, Orphanet 538963, MedGen C3552634, MONDO:0013081, OMIM 613011.

Allele frequency attached by ClinVar (database versions not stated): gnomAD exomes below 0.00001.

Submission:

Labcorp Genetics (formerly Invitae), Labcorp
Classification: Uncertain significance for Lymphoproliferative syndrome 1. Last evaluated: 2021-08-19. Review status: criteria provided, single submitter. Criteria: Invitae Variant Classification Sherloc (09022015). Collection method: clinical testing. Allele origin: germline.
Comment: Algorithms developed to predict the effect of missense changes on protein structure and function are either unavailable or do not agree on the potential impact of this missense change (SIFT: "Deleterious"; PolyPhen-2: "Benign"; Align-GVGD: "Class C0"). In summary, the available evidence is currently insufficient to determine the role of this variant in disease. Therefore, it has been classified as a Variant of Uncertain Significance. This variant has not been reported in the literature in individuals affected with ITK-related conditions. This variant is not present in population databases (ExAC no frequency). This sequence change replaces lysine with glutamic acid at codon 355 of the ITK protein (p.Lys355Glu). The lysine residue is highly conserved and there is a small physicochemical difference between lysine and glutamic acid.

NM_005546.4(ITK):c.1063A>G (p.Lys355Glu)

Gene: ITK (IL2 inducible T cell kinase; plus strand). Cytogenetic location: 5q33.3.
Variant type: single nucleotide variant.
Coding change: c.1063A>G on transcript NM_005546.4 (MANE Select); coding-DNA position 1063, A replaced by G.
Protein change: p.Lys355Glu; replaces lysine 355 with glutamic acid.
Molecular consequence: missense variant.
Genome position (GRCh38, 1-based): chr5:157,243,625, A>G. VCF-style: chr5-157243625-A-G. GRCh37 (hg19) VCF-style: chr5-156670635-A-G.
Other names: short protein forms K355E.
Identifiers: ClinVar variation 1412476 (VCV001412476.6), dbSNP rs1580907931, ClinGen allele CA361959645.